The following is an entry in ClinVar:

NM_001848.3(COL6A1):c.1822+45C>T

Gene: COL6A1 (collagen type VI alpha 1 chain; plus strand). Cytogenetic location: 21q22.3.
Variant type: single nucleotide variant.
Coding change: c.1822+45C>T on transcript NM_001848.3 (MANE Select); 45 bases into the intron after coding-DNA position 1822, C replaced by T.
Molecular consequence: intron variant.
Genome position (GRCh38, 1-based): chr21:46,000,812, C>T. VCF-style: chr21-46000812-C-T. GRCh37 (hg19) VCF-style: chr21-47420726-C-T.
Identifiers: ClinVar variation 93833 (VCV000093833.6), dbSNP rs7276098, ClinGen allele CA221759.

ClinVar aggregate classification (germline): Benign. Review status: criteria provided, multiple submitters, no conflicts (2 of 4 stars). 3 submissions from 3 submitters: Benign (3). Last evaluated 2018-06-19.

Allele frequency attached by ClinVar (database versions not stated): 1000 Genomes Project 0.03614; 1000 Genomes Project 30x 0.03795.
gnomAD v4.1: 10,811 of 1,612,290 alleles (0.67%); highest among the groups gnomAD compares: African/African-American, 11%; 429 homozygotes.

Submissions (3):

GeneDx
Classification: Benign. Last evaluated: 2018-06-19. Review status: criteria provided, single submitter. Criteria: GeneDx Variant Classification (06012015). Collection method: clinical testing. Allele origin: germline. Affected: yes.
Comment: This variant is considered likely benign or benign based on one or more of the following criteria: it is a conservative change, it occurs at a poorly conserved position in the protein, it is predicted to be benign by multiple in silico algorithms, and/or has population frequency not consistent with disease.

Eurofins Ntd Llc (ga)
Classification: Benign. Last evaluated: 2017-02-10. Review status: criteria provided, single submitter. Criteria: EGL Classification Definitions 2015. Collection method: clinical testing. Allele origin: germline. Observed: 1 variant allele, 1 heterozygote.

Breakthrough Genomics
Classification: Benign. Review status: criteria provided, single submitter. Criteria: ACMG Guidelines, 2015. Collection method: not provided. Allele origin: germline. Inheritance: Autosomal recessive inheritance. Affected: yes.